The following is an entry in ClinVar:

NM_006767.4(LZTR1):c.162G>C (p.Trp54Cys)

Gene: LZTR1 (leucine zipper like post translational regulator 1; plus strand). Cytogenetic location: 22q11.21.
Variant type: single nucleotide variant.
Coding change: c.162G>C on transcript NM_006767.4 (MANE Select); coding-DNA position 162, G replaced by C.
Protein change: p.Trp54Cys; replaces tryptophan 54 with cysteine.
Molecular consequence: missense variant.
Genome position (GRCh38, 1-based): chr22:20,982,533, G>C. VCF-style: chr22-20982533-G-C. GRCh37 (hg19) VCF-style: chr22-21336822-G-C.
Other names: short protein forms W54C.
Identifiers: ClinVar variation 5023735 (VCV005023735.1).

ClinVar aggregate classification (germline): Uncertain significance (1 of 4 stars; one submission).

Conditions:
Cardiovascular phenotype. Identifiers: MedGen CN230736.
Hereditary cancer-predisposing syndrome. Also called: Neoplastic Syndromes, Hereditary; Tumor predisposition; Hereditary neoplastic syndrome; Hereditary Cancer Syndrome. Identifiers: Orphanet 140162, MedGen C0027672, MeSH D009386, MONDO:0015356.

Submission:

Ambry Genetics
Classification: Uncertain significance for Cardiovascular phenotype; Hereditary cancer-predisposing syndrome. Last evaluated: 2026-07-09. Review status: criteria provided, single submitter. Criteria: Ambry Variant Classification Scheme 2023. Collection method: clinical testing. Allele origin: germline.
Comment: The p.W54C variant (also known as c.162G>C), located in coding exon 1 of the LZTR1 gene, results from a G to C substitution at nucleotide position 162. The tryptophan at codon 54 is replaced by cysteine, an amino acid with highly dissimilar properties. This amino acid position is conserved. In addition, this alteration is predicted to be deleterious by in silico analysis. Based on the available evidence, the clinical significance of this variant remains unclear.